The following is an entry in ClinVar:

ClinVar aggregate classification (germline): Uncertain significance (1 of 4 stars; one submission).

Submission:

Labcorp Genetics (formerly Invitae), Labcorp
Classification: Uncertain significance. Last evaluated: 2022-08-09. Review status: criteria provided, single submitter. Criteria: Invitae Variant Classification Sherloc (09022015). Collection method: clinical testing. Allele origin: germline.
Comment: This variant has not been reported in the literature in individuals affected with STUB1-related conditions. This variant is not present in population databases (gnomAD no frequency). This sequence change replaces alanine, which is neutral and non-polar, with serine, which is neutral and polar, at codon 15 of the STUB1 protein (p.Ala15Ser). Algorithms developed to predict the effect of missense changes on protein structure and function output the following: SIFT: "Tolerated"; PolyPhen-2: "Not Available"; Align-GVGD: "Class C0". The serine amino acid residue is found in multiple mammalian species, which suggests that this missense change does not adversely affect protein function. In summary, the available evidence is currently insufficient to determine the role of this variant in disease. Therefore, it has been classified as a Variant of Uncertain Significance.

NM_005861.4(STUB1):c.43G>T (p.Ala15Ser)

Gene: STUB1 (STIP1 homology and U-box containing protein 1; plus strand). Cytogenetic location: 16p13.3.
Variant type: single nucleotide variant.
Coding change: c.43G>T on transcript NM_005861.4 (MANE Select); coding-DNA position 43, G replaced by T.
Protein change: p.Ala15Ser; replaces alanine 15 with serine.
Molecular consequence: missense variant. On other transcripts: 5 prime UTR variant (1).
Genome position (GRCh38, 1-based): chr16:680,568, G>T. VCF-style: chr16-680568-G-T. GRCh37 (hg19) VCF-style: chr16-730568-G-T.
Other names: c.-263G>T (NM_001293197.2); short protein forms A15S.
Identifiers: ClinVar variation 1715960 (VCV001715960.5), dbSNP rs2543800381, ClinGen allele CA394109819.